The following is an entry in ClinVar:

NM_003823.4(TNFRSF6B):c.504C>G (p.Cys168Trp)

Genes: RTEL1-TNFRSF6B (RTEL1-TNFRSF6B readthrough (NMD candidate); plus strand), TNFRSF6B (TNF receptor superfamily member 6b; plus strand). Cytogenetic location: 20q13.33.
Variant type: single nucleotide variant.
Coding change: c.504C>G on transcript NM_003823.4 (MANE Select); coding-DNA position 504, C replaced by G.
Protein change: p.Cys168Trp; replaces cysteine 168 with tryptophan.
Molecular consequence: missense variant. On other transcripts: non-coding transcript variant (1).
Genome position (GRCh38, 1-based): chr20:63,697,407, C>G. VCF-style: chr20-63697407-C-G. GRCh37 (hg19) VCF-style: chr20-62328760-C-G.
Other names: short protein forms C168W.
Identifiers: ClinVar variation 3610708 (VCV003610708.2).
Genomic context (GRCh38, chr20:63,697,407, plus strand): 5'-GCAGTGCCAGCCGTGCCCCCCAGGCACCTTCTCAGCCAGCAGCTCCAGCTCAGAGCAGTG[C>G]CAGCCCCACCGCAACTGCACGGCCCTGGGCCTGGCCCTCAATGTGCCAGGCTCTTCCTCC-3'
Protein context (NP_003814.1, residues 158-178): FSASSSSSEQ[Cys168Trp]QPHRNCTALG

ClinVar aggregate classification (germline): Uncertain significance (1 of 4 stars; one submission).

gnomAD v4.1: 1 of 1,611,062 alleles (0.000062%); highest among the groups gnomAD compares: Non-Finnish European, 0.000085%; no homozygotes.

Submission:

Labcorp Genetics (formerly Invitae), Labcorp
Classification: Uncertain significance. Last evaluated: 2024-04-29. Review status: criteria provided, single submitter. Criteria: Invitae Variant Classification Sherloc (09022015). Collection method: clinical testing. Allele origin: germline.
Comment: This sequence change replaces cysteine, which is neutral and slightly polar, with tryptophan, which is neutral and slightly polar, at codon 168 of the TNFRSF6B protein (p.Cys168Trp). This variant is not present in population databases (gnomAD no frequency). This variant has not been reported in the literature in individuals affected with TNFRSF6B-related conditions. An algorithm developed to predict the effect of missense changes on protein structure and function (PolyPhen-2) suggests that this variant is likely to be disruptive. In summary, the available evidence is currently insufficient to determine the role of this variant in disease. Therefore, it has been classified as a Variant of Uncertain Significance.